The following is an entry in ClinVar:

NM_031935.3(HMCN1):c.581C>A (p.Ser194Tyr)

Gene: HMCN1 (hemicentin 1; plus strand). Cytogenetic location: 1q31.1.
Variant type: single nucleotide variant.
Coding change: c.581C>A on transcript NM_031935.3 (MANE Select); coding-DNA position 581, C replaced by A.
Protein change: p.Ser194Tyr; replaces serine 194 with tyrosine.
Molecular consequence: missense variant.
Genome position (GRCh38, 1-based): chr1:185,865,823, C>A. VCF-style: chr1-185865823-C-A. GRCh37 (hg19) VCF-style: chr1-185834955-C-A.
Other names: short protein forms S194Y.
Identifiers: ClinVar variation 3649773 (VCV003649773.2).

ClinVar aggregate classification (germline): Uncertain significance (1 of 4 stars; one submission).

Submission:

Labcorp Genetics (formerly Invitae), Labcorp
Classification: Uncertain significance. Last evaluated: 2024-04-13. Review status: criteria provided, single submitter. Criteria: Invitae Variant Classification Sherloc (09022015). Collection method: clinical testing. Allele origin: germline.
Comment: This sequence change replaces serine, which is neutral and polar, with tyrosine, which is neutral and polar, at codon 194 of the HMCN1 protein (p.Ser194Tyr). This variant is not present in population databases (gnomAD no frequency). This variant has not been reported in the literature in individuals affected with HMCN1-related conditions. An algorithm developed to predict the effect of missense changes on protein structure and function (PolyPhen-2) suggests that this variant is likely to be disruptive. In summary, the available evidence is currently insufficient to determine the role of this variant in disease. Therefore, it has been classified as a Variant of Uncertain Significance.